The following is an entry in ClinVar:

ClinVar aggregate classification (germline): Uncertain significance. Review status: criteria provided, multiple submitters, no conflicts (2 of 4 stars). 2 submissions from 2 submitters: Uncertain significance (2). Last evaluated 2024-10-08.

Allele frequency attached by ClinVar (database versions not stated): TOPMed 0.00014; 1000 Genomes Project 30x 0.00031; ESP Exome Variant Server 0.00031.
gnomAD v4.1: 74 of 1,614,134 alleles (0.0046%); highest among the groups gnomAD compares: Admixed American, 0.022%; no homozygotes.

Submissions (2):

Ambry Genetics
Classification: Uncertain significance. Last evaluated: 2024-10-08. Review status: criteria provided, single submitter. Criteria: Ambry Variant Classification Scheme 2023. Collection method: clinical testing. Allele origin: germline.

Labcorp Genetics (formerly Invitae), Labcorp
Classification: Uncertain significance. Last evaluated: 2023-08-14. Review status: criteria provided, single submitter. Criteria: Invitae Variant Classification Sherloc (09022015). Collection method: clinical testing. Allele origin: germline.
Comment: In summary, the available evidence is currently insufficient to determine the role of this variant in disease. Therefore, it has been classified as a Variant of Uncertain Significance. Algorithms developed to predict the effect of missense changes on protein structure and function output the following: SIFT: "Not Available"; PolyPhen-2: "Benign"; Align-GVGD: "Not Available". The glutamine amino acid residue is found in multiple mammalian species, which suggests that this missense change does not adversely affect protein function. ClinVar contains an entry for this variant (Variation ID: 850592). This variant has not been reported in the literature in individuals affected with CEP250-related conditions. This variant is present in population databases (rs142095721, gnomAD 0.01%). This sequence change replaces arginine, which is basic and polar, with glutamine, which is neutral and polar, at codon 1697 of the CEP250 protein (p.Arg1697Gln).

NM_007186.6(CEP250):c.5090G>A (p.Arg1697Gln)

Gene: CEP250 (centrosomal protein 250; plus strand). Cytogenetic location: 20q11.22.
Variant type: single nucleotide variant.
Coding change: c.5090G>A on transcript NM_007186.6 (MANE Select); coding-DNA position 5090, G replaced by A.
Protein change: p.Arg1697Gln; replaces arginine 1697 with glutamine.
Molecular consequence: missense variant.
Genome position (GRCh38, 1-based): chr20:35,503,459, G>A. VCF-style: chr20-35503459-G-A. GRCh37 (hg19) VCF-style: chr20-34091287-G-A.
Other names: c.3194G>A, p.Arg1065Gln (NM_001318219.1); c.5090G>A (NM_007186.3); short protein forms R1065Q, R1697Q.
Identifiers: ClinVar variation 850592 (VCV000850592.10), dbSNP rs142095721, ClinGen allele CA9833818.